The following is an entry in ClinVar:

NM_000051.4(ATM):c.168T>A (p.Asn56Lys)

Gene: ATM (ATM serine/threonine kinase; plus strand). Cytogenetic location: 11q22.3.
Variant type: single nucleotide variant.
Coding change: c.168T>A on transcript NM_000051.4 (MANE Select); coding-DNA position 168, T replaced by A.
Protein change: p.Asn56Lys; replaces asparagine 56 with lysine.
Molecular consequence: missense variant.
Genome position (GRCh38, 1-based): chr11:108,227,871, T>A. VCF-style: chr11-108227871-T-A. GRCh37 (hg19) VCF-style: chr11-108098598-T-A.
Other names: c.168T>A, p.Asn56Lys (NM_001351834.2, NM_001351835.2, NM_001351836.2); short protein forms N56K.
Identifiers: ClinVar variation 4800507 (VCV004800507.1).
Genomic context (GRCh38, chr11:108,227,871, plus strand): 5'-TCCTGAAACAATTAAACATCTAGATCGGCATTCAGATTCCAAACAAGGAAAATATTTGAA[T>A]TGGGATGCTGTTTTTAGGTATTCTATTCAAATTTATTTTACTGTCTTTATTTTTCTCTTT-3'
Protein context (NP_000042.3, residues 46-66): HSDSKQGKYL[Asn56Lys]WDAVFRFLQK

ClinVar aggregate classification (germline): Uncertain significance (1 of 4 stars; one submission).

Conditions:
Ataxia-telangiectasia syndrome (AT). Also called: LOUIS-BAR SYNDROME; Cerebello-oculocutaneous telangiectasia; Immunodeficiency with ataxia telangiectasia; Ataxia telangiectasia (A-T); ATAXIA-TELANGIECTASIA, FRESNO VARIANT; Ataxia-telangiectasia. Identifiers: Orphanet 100, MedGen C0004135, MONDO:0008840, OMIM 208900.

Submission:

Labcorp Genetics (formerly Invitae), Labcorp
Classification: Uncertain significance for Ataxia-telangiectasia syndrome. Last evaluated: 2025-08-30. Review status: criteria provided, single submitter. Criteria: Invitae Variant Classification Sherloc (09022015). Collection method: clinical testing. Allele origin: germline.
Comment: This sequence change replaces asparagine, which is neutral and polar, with lysine, which is basic and polar, at codon 56 of the ATM protein (p.Asn56Lys). This variant is not present in population databases (gnomAD no frequency). This variant has not been reported in the literature in individuals affected with ATM-related conditions. Invitae Evidence Modeling of protein sequence and biophysical properties (such as structural, functional, and spatial information, amino acid conservation, physicochemical variation, residue mobility, and thermodynamic stability) indicates that this missense variant is not expected to disrupt ATM protein function with a negative predictive value of 95%. In summary, the available evidence is currently insufficient to determine the role of this variant in disease. Therefore, it has been classified as a Variant of Uncertain Significance.